The following is an entry in ClinVar:

ClinVar aggregate classification (germline): Uncertain significance. Review status: criteria provided, multiple submitters, no conflicts (2 of 4 stars). 3 submissions from 3 submitters: Uncertain significance (3). Last evaluated 2025-08-07.

Conditions:
Inborn genetic diseases. Identifiers: MedGen C0950123, MeSH D030342.

Allele frequency attached by ClinVar (database versions not stated): ExAC 0.00001; gnomAD 0.00004 and 0.00003; gnomAD exomes 0.00001; TOPMed 0.00007.
gnomAD v4.1: 22 of 1,614,114 alleles (0.0014%); highest among the groups gnomAD compares: Admixed American, 0.0033%; no homozygotes.

Submissions (3):

Ambry Genetics
Classification: Uncertain significance for Inborn genetic diseases. Last evaluated: 2025-08-07. Review status: criteria provided, single submitter. Criteria: Ambry Variant Classification Scheme 2023. Collection method: clinical testing. Allele origin: germline.

GeneDx
Classification: Uncertain significance. Last evaluated: 2025-07-06. Review status: criteria provided, single submitter. Criteria: GeneDx Variant Classification Process June 2021. Collection method: clinical testing. Allele origin: germline. Affected: yes.
Comment: Not observed at significant frequency in large population cohorts (gnomAD); In silico analysis suggests that this missense variant does not alter protein structure/function; Has not been previously published as pathogenic or benign to our knowledge

Labcorp Genetics (formerly Invitae), Labcorp
Classification: Uncertain significance. Last evaluated: 2022-08-02. Review status: criteria provided, single submitter. Criteria: Invitae Variant Classification Sherloc (09022015). Collection method: clinical testing. Allele origin: germline.
Comment: This sequence change replaces valine, which is neutral and non-polar, with methionine, which is neutral and non-polar, at codon 35 of the PNPT1 protein (p.Val35Met). This variant is present in population databases (rs780299125, gnomAD 0.007%). This variant has not been reported in the literature in individuals affected with PNPT1-related conditions. ClinVar contains an entry for this variant (Variation ID: 1380551). Advanced modeling of protein sequence and biophysical properties (such as structural, functional, and spatial information, amino acid conservation, physicochemical variation, residue mobility, and thermodynamic stability) performed at Invitae indicates that this missense variant is not expected to disrupt PNPT1 protein function. In summary, the available evidence is currently insufficient to determine the role of this variant in disease. Therefore, it has been classified as a Variant of Uncertain Significance.

NM_033109.5(PNPT1):c.103G>A (p.Val35Met)

Genes: PNPT1 (polyribonucleotide nucleotidyltransferase 1; minus strand), LOC129933770 (ATAC-STARR-seq lymphoblastoid active region 15785; plus strand). Cytogenetic location: 2p16.1.
Variant type: single nucleotide variant.
Coding change: c.103G>A on transcript NM_033109.5 (MANE Select); coding-DNA position 103, G replaced by A.
Protein change: p.Val35Met; replaces valine 35 with methionine.
Molecular consequence: missense variant.
Genome position (GRCh38, 1-based): chr2:55,693,721, C>T on the plus strand (G>A on the coding strand, the complement: PNPT1 is on the minus strand). VCF-style: chr2-55693721-C-T. GRCh37 (hg19) VCF-style: chr2-55920856-C-T.
Other names: c.103G>A (NM_033109.4, NM_033109.3); short protein forms V35M.
Identifiers: ClinVar variation 1380551 (VCV001380551.7), dbSNP rs780299125, ClinGen allele CA1668634.